The following is an entry in ClinVar:

ClinVar aggregate classification (germline): Uncertain significance (1 of 4 stars; one submission).

Conditions:
Thrombocytopenia 1. Also called: X-linked thrombocytopenia with normal platelets; X-Linked Thrombocytopenia (XLT); THROMBOCYTOPENIA, X-LINKED, 1. Identifiers: Orphanet 268322, Orphanet 852, MedGen C1839163, MONDO:0010743, OMIM 313900.
Wiskott-Aldrich syndrome (WAS). Also called: ALDRICH SYNDROME; IMMUNODEFICIENCY 2; WISKOTT-ALDRICH SYNDROME 1; Wiskott-aldrich syndrome, somatic. Identifiers: Orphanet 906, MedGen C0043194, MONDO:0010518, OMIM 301000.
X-linked severe congenital neutropenia (SCNX). Identifiers: Orphanet 86788, MedGen C1845987, MONDO:0010294, OMIM 300299.

Submission:

Labcorp Genetics (formerly Invitae), Labcorp
Classification: Uncertain significance for Wiskott-Aldrich syndrome; X-linked severe congenital neutropenia; Thrombocytopenia 1. Last evaluated: 2025-03-19. Review status: criteria provided, single submitter. Criteria: Invitae Variant Classification Sherloc (09022015). Collection method: clinical testing. Allele origin: germline.
Comment: This sequence change replaces serine, which is neutral and polar, with threonine, which is neutral and polar, at codon 453 of the WAS protein (p.Ser453Thr). This variant is not present in population databases (gnomAD no frequency). This variant has not been reported in the literature in individuals affected with WAS-related conditions. Invitae Evidence Modeling of protein sequence and biophysical properties (such as structural, functional, and spatial information, amino acid conservation, physicochemical variation, residue mobility, and thermodynamic stability) indicates that this missense variant is not expected to disrupt WAS protein function with a negative predictive value of 80%. In summary, the available evidence is currently insufficient to determine the role of this variant in disease. Therefore, it has been classified as a Variant of Uncertain Significance.

NM_000377.3(WAS):c.1358G>C (p.Ser453Thr)

Gene: WAS (WASP actin nucleation promoting factor; plus strand). Cytogenetic location: Xp11.23.
Variant type: single nucleotide variant.
Coding change: c.1358G>C on transcript NM_000377.3 (MANE Select); coding-DNA position 1358, G replaced by C.
Protein change: p.Ser453Thr; replaces serine 453 with threonine.
Molecular consequence: missense variant.
Genome position (GRCh38, 1-based): chrX:48,689,339, G>C. VCF-style: chrX-48689339-G-C. GRCh37 (hg19) VCF-style: chrX-48547728-G-C.
Other names: c.1202G>C, p.Ser401Thr (NM_001438876.1, NM_001438878.1); c.1358G>C, p.Ser453Thr (NM_001438877.1, NM_001438879.1); short protein forms S401T, S453T.
Identifiers: ClinVar variation 4784687 (VCV004784687.1).